The following is an entry in ClinVar:

ClinVar aggregate classification (germline): Likely benign. Review status: criteria provided, single submitter (1 of 4 stars). 2 submissions from 2 submitters: Likely benign (1). 1 of the submissions does not count toward it. Last evaluated 2024-11-05.

Conditions:
UNC45A-related disorder. Also called: UNC45A-related condition.

Allele frequency attached by ClinVar (database versions not stated): gnomAD 0.00003; TOPMed 0.00003.
gnomAD v4.1: 18 of 1,613,476 alleles (0.0011%); highest among the groups gnomAD compares: African/African-American, 0.0093%; no homozygotes.

Submissions (2):

Labcorp Genetics (formerly Invitae), Labcorp
Classification: Likely benign. Last evaluated: 2024-11-05. Review status: criteria provided, single submitter. Criteria: Invitae Variant Classification Sherloc (09022015). Collection method: clinical testing. Allele origin: germline.

PreventionGenetics, part of Exact Sciences
Classification: Likely benign for UNC45A-related condition. Last evaluated: 2019-05-27. Review status: no assertion criteria provided. Collection method: clinical testing. Allele origin: germline. Not counted in ClinVar's aggregate classification.
Comment: This variant is classified as likely benign based on ACMG/AMP sequence variant interpretation guidelines (Richards et al. 2015 PMID: 25741868, with internal and published modifications).

NM_018671.5(UNC45A):c.2517C>T (p.Ala839=)

Genes: RCCD1-AS1 (RCCD1 and UNC45A antisense RNA 1; minus strand), UNC45A (unc-45 myosin chaperone A; plus strand). Cytogenetic location: 15q26.1.
Variant type: single nucleotide variant.
Coding change: c.2517C>T on transcript NM_018671.5 (MANE Select); coding-DNA position 2517, C replaced by T.
Protein change: p.Ala839=; no amino-acid change (alanine 839 retained).
Molecular consequence: synonymous variant.
Genome position (GRCh38, 1-based): chr15:90,953,250, C>T. VCF-style: chr15-90953250-C-T. GRCh37 (hg19) VCF-style: chr15-91496480-C-T.
Other names: c.2472C>T, p.Ala824= (NM_001039675.2, NM_001323621.2); c.2517C>T, p.Ala839= (NM_001323619.1); c.2082C>T, p.Ala694= (NM_001323620.2).
Identifiers: ClinVar variation 1930066 (VCV001930066.7), dbSNP rs1008350719, ClinGen allele CA274753885.